The following is an entry in ClinVar:

ClinVar aggregate classification (germline): Likely benign (1 of 4 stars; one submission).

Conditions:
Leigh syndrome (NULS). Also called: Leigh's necrotizing encephalopathy; Leigh's disease; Leigh Syndrome (mtDNA deletion); Leigh Disease; Subacute necrotizing encephalopathy; Necrotizing encephalopathy infantile subacute of Leigh. Identifiers: Orphanet 506, MedGen C2931891, MONDO:0009723, OMIM 256000.

Submission:

Wong Mito Lab, Molecular and Human Genetics, Baylor College of Medicine
Classification: Likely benign for Leigh syndrome. Last evaluated: 2019-10-17. Review status: criteria provided, single submitter. Criteria: Modified ACMG Guidelines (Unpublished). Collection method: clinical testing. Allele origin: germline.
Comment: The NC_012920.1:m.6367T>C (YP_003024028.1:p.Val155Ala) variant in MTCO1 gene is interpretated to be a Likely Benign variant based on the modified ACMG guidelines (unpublished). This variant meets the following evidence codes: BS1, BP4

NC_012920.1(MT-CO1):m.6367T>C

Gene: MT-CO1 (mitochondrially encoded cytochrome c oxidase I; plus strand).
Variant type: single nucleotide variant.
Genome position: chrM-6367-T-C.
Identifiers: ClinVar variation 692646 (VCV000692646.1), dbSNP rs1603220442, ClinGen allele CA414783512.